The following is an entry in ClinVar:

ClinVar aggregate classification (germline): Uncertain significance. Review status: criteria provided, multiple submitters, no conflicts (2 of 4 stars). 3 submissions from 3 submitters: Uncertain significance (3). Last evaluated 2026-01-19.

Conditions:
Inborn genetic diseases. Identifiers: MedGen C0950123, MeSH D030342.
Sulfite oxidase deficiency. Also called: Isolated sulfite oxidase deficiency. Identifiers: Orphanet 833, Orphanet 99731, MedGen C0268624, MONDO:0010089, OMIM 272300, HP:0003643.

Allele frequency attached by ClinVar (database versions not stated): ExAC 0.00007; gnomAD exomes 0.00007; gnomAD 0.00011; TOPMed 0.00011.
gnomAD v4.1: 73 of 1,613,998 alleles (0.0045%); highest among the groups gnomAD compares: African/African-American, 0.025%; no homozygotes.

Submissions (3):

Labcorp Genetics (formerly Invitae), Labcorp
Classification: Uncertain significance for Sulfite oxidase deficiency. Last evaluated: 2026-01-19. Review status: criteria provided, single submitter. Criteria: Invitae Variant Classification Sherloc (09022015). Collection method: clinical testing. Allele origin: germline.
Comment: This sequence change replaces glycine, which is neutral and non-polar, with serine, which is neutral and polar, at codon 65 of the SUOX protein (p.Gly65Ser). This variant is present in population databases (rs770837196, gnomAD 0.03%). This variant has not been reported in the literature in individuals affected with SUOX-related conditions. ClinVar contains an entry for this variant (Variation ID: 1005650). Invitae Evidence Modeling of protein sequence and biophysical properties (such as structural, functional, and spatial information, amino acid conservation, physicochemical variation, residue mobility, and thermodynamic stability) indicates that this missense variant is not expected to disrupt SUOX protein function with a negative predictive value of 95%. In summary, the available evidence is currently insufficient to determine the role of this variant in disease. Therefore, it has been classified as a Variant of Uncertain Significance.

Blueprint Genetics
Classification: Uncertain significance. Last evaluated: 2024-04-04. Review status: criteria provided, single submitter. Criteria: ACMG Guidelines, 2015. Collection method: clinical testing. Allele origin: germline.

Ambry Genetics
Classification: Uncertain significance for Inborn genetic diseases. Last evaluated: 2022-11-07. Review status: criteria provided, single submitter. Criteria: Ambry Variant Classification Scheme 2023. Collection method: clinical testing. Allele origin: germline.

NM_001032386.2(SUOX):c.193G>A (p.Gly65Ser)

Gene: SUOX (sulfite oxidase; plus strand). Cytogenetic location: 12q13.2.
Variant type: single nucleotide variant.
Coding change: c.193G>A on transcript NM_001032386.2 (MANE Select); coding-DNA position 193, G replaced by A.
Protein change: p.Gly65Ser; replaces glycine 65 with serine.
Molecular consequence: missense variant.
Genome position (GRCh38, 1-based): chr12:56,002,685, G>A. VCF-style: chr12-56002685-G-A. GRCh37 (hg19) VCF-style: chr12-56396469-G-A.
Other names: c.193G>A (NM_000456.2); c.193G>A, p.Gly65Ser (NM_000456.3, NM_001032387.2); short protein forms G65S.
Identifiers: ClinVar variation 1005650 (VCV001005650.8), dbSNP rs770837196, ClinGen allele CA6620898.
Genomic context (GRCh38, chr12:56,002,685, plus strand): 5'-TTCTCTGGTGATAACTCCAGCACCCAGGGATGGAGAGTCATGGGGACCCTATTAGGTCTC[G>A]GTGCAGTGTTGGCCTATCAGGACCATCGGTGTAGGGTAAGTAGGGAAAGTGCTTCATTGT-3'
Protein context (NP_001027558.1, residues 55-75): WRVMGTLLGL[Gly65Ser]AVLAYQDHRC